The following is an entry in ClinVar:

ClinVar aggregate classification (germline): Likely benign (1 of 4 stars; one submission).

Submission:

CeGaT Center for Human Genetics Tuebingen
Classification: Likely benign. Last evaluated: 2025-11-01. Review status: criteria provided, single submitter. Criteria: CeGaT Center For Human Genetics Tuebingen Variant Classification Criteria Version 2. Collection method: clinical testing. Allele origin: germline. Affected: yes. Observed: 2 variant alleles.
Comment: ERICH6B: BP4, BP7

NM_182542.3(ERICH6B):c.204G>T (p.Leu68=)

Gene: ERICH6B (glutamate rich 6B; minus strand). Cytogenetic location: 13q14.13.
Variant type: single nucleotide variant.
Coding change: c.204G>T on transcript NM_182542.3 (MANE Select); coding-DNA position 204, G replaced by T.
Protein change: p.Leu68=; no amino-acid change (leucine 68 retained).
Molecular consequence: synonymous variant.
Genome position (GRCh38, 1-based): chr13:45,596,802, C>A on the plus strand (G>T on the coding strand, the complement: ERICH6B is on the minus strand). VCF-style: chr13-45596802-C-A. GRCh37 (hg19) VCF-style: chr13-46170937-C-A.
Identifiers: ClinVar variation 3771204 (VCV003771204.13).